The following is an entry in ClinVar:

NM_000465.4(BARD1):c.1348A>C (p.Asn450His)

Gene: BARD1 (BRCA1 associated RING domain 1; minus strand). Cytogenetic location: 2q35.
Variant type: single nucleotide variant.
Coding change: c.1348A>C on transcript NM_000465.4 (MANE Select); coding-DNA position 1348, A replaced by C.
Protein change: p.Asn450His; replaces asparagine 450 with histidine.
Molecular consequence: missense variant. On other transcripts: non-coding transcript variant (3), intron variant (3).
Genome position (GRCh38, 1-based): chr2:214,769,279, T>G on the plus strand (A>C on the coding strand, the complement: BARD1 is on the minus strand). VCF-style: chr2-214769279-T-G. GRCh37 (hg19) VCF-style: chr2-215634003-T-G.
Other names: c.1291A>C, p.Asn431His (NM_001282543.2); c.159-16724A>C (NM_001282548.2); c.216-16724A>C (NM_001282545.2); c.364+23018A>C (NM_001282549.2); short protein forms N450H, N431H.
Identifiers: ClinVar variation 1524624 (VCV001524624.7), dbSNP rs776756736, ClinGen allele CA2090281.

ClinVar aggregate classification (germline): Uncertain significance (1 of 4 stars; one submission).

Conditions:
Familial cancer of breast. Also called: BREAST CANCER, FAMILIAL; hereditary breast carcinoma; Hereditary breast cancer. Identifiers: Orphanet 227535, MedGen C0346153, MONDO:0016419, OMIM 114480. Disease mechanism: loss of function.

Allele frequency attached by ClinVar (database versions not stated): gnomAD exomes below 0.00001; ExAC 0.00001.

Submission:

Labcorp Genetics (formerly Invitae), Labcorp
Classification: Uncertain significance for Familial cancer of breast. Last evaluated: 2024-06-26. Review status: criteria provided, single submitter. Criteria: Invitae Variant Classification Sherloc (09022015). Collection method: clinical testing. Allele origin: germline.
Comment: This sequence change replaces asparagine, which is neutral and polar, with histidine, which is basic and polar, at codon 450 of the BARD1 protein (p.Asn450His). This variant is not present in population databases (gnomAD no frequency). This variant has not been reported in the literature in individuals affected with BARD1-related conditions. ClinVar contains an entry for this variant (Variation ID: 1524624). An algorithm developed to predict the effect of missense changes on protein structure and function (PolyPhen-2) suggests that this variant is likely to be tolerated. Experimental studies have shown that this missense change does not substantially affect BARD1 function (PMID: 30925164). In summary, the available evidence is currently insufficient to determine the role of this variant in disease. Therefore, it has been classified as a Variant of Uncertain Significance.

Literature cited by the submitters: PubMed 30925164.